The following is an entry in ClinVar:

NM_000182.5(HADHA):c.1690-2A>G

Genes: HADHA (hydroxyacyl-CoA dehydrogenase trifunctional multienzyme complex subunit alpha; minus strand), GAREM2 (GRB2 associated regulator of MAPK1 subtype 2; plus strand). Cytogenetic location: 2p23.3.
Variant type: single nucleotide variant.
Coding change: c.1690-2A>G on transcript NM_000182.5 (MANE Select); the canonical splice acceptor site of the intron before coding-DNA position 1690, A replaced by G.
Molecular consequence: splice acceptor variant.
Genome position (GRCh38, 1-based): chr2:26,193,774, T>C on the plus strand (A>G on the coding strand, the complement: HADHA is on the minus strand). VCF-style: chr2-26193774-T-C. GRCh37 (hg19) VCF-style: chr2-26416643-T-C.
Identifiers: ClinVar variation 370079 (VCV000370079.9), dbSNP rs1057516217, ClinGen allele CA16040872.

ClinVar aggregate classification (germline): Pathogenic/Likely pathogenic. Review status: criteria provided, multiple submitters, no conflicts (2 of 4 stars). 4 submissions from 4 submitters: Pathogenic (1); Likely pathogenic (2). 1 of the submissions does not count toward it. Last evaluated 2025-11-11.

Conditions:
Long chain 3-hydroxyacyl-CoA dehydrogenase deficiency. Also called: Deficiency of long-chain 3-hydroxyacyl-coenzyme A dehydrogenase; LCHAD Deficiency. Identifiers: Orphanet 5, MedGen C3711645, MONDO:0012173, OMIM 609016.
Mitochondrial trifunctional protein deficiency. Identifiers: Orphanet 746, MedGen C1969443, MONDO:0012172.

Allele frequency attached by ClinVar (database versions not stated): gnomAD 0.00001.
gnomAD v4.1: 2 of 1,613,674 alleles (0.00012%); highest among the groups gnomAD compares: African/African-American, 0.0027%; no homozygotes.

Submissions (4):

Labcorp Genetics (formerly Invitae), Labcorp
Classification: Likely pathogenic for Mitochondrial trifunctional protein deficiency; Long chain 3-hydroxyacyl-CoA dehydrogenase deficiency. Last evaluated: 2025-11-11. Review status: criteria provided, single submitter. Criteria: Invitae Variant Classification Sherloc (09022015). Collection method: clinical testing. Allele origin: germline.
Comment: This sequence change affects an acceptor splice site in intron 16 of the HADHA gene. It is expected to disrupt RNA splicing. Variants that disrupt the donor or acceptor splice site typically lead to a loss of protein function (PMID: 16199547), and loss-of-function variants in HADHA are known to be pathogenic (PMID: 7738175, 21103935, 21549624, 22459206). This variant is present in population databases (no rsID available, gnomAD 0.01%). This variant has not been reported in the literature in individuals affected with HADHA-related conditions. ClinVar contains an entry for this variant (Variation ID: 370079). Algorithms developed to predict the effect of sequence changes on RNA splicing suggest that this variant may disrupt the consensus splice site. In summary, the currently available evidence indicates that the variant is pathogenic, but additional data are needed to prove that conclusively. Therefore, this variant has been classified as Likely Pathogenic.

Women's Health and Genetics/Laboratory Corporation of America, LabCorp
Classification: Likely pathogenic for Long chain 3-hydroxyacyl-CoA dehydrogenase deficiency. Last evaluated: 2022-05-23. Review status: criteria provided, single submitter. Criteria: LabCorp Variant Classification Summary - May 2015. Collection method: clinical testing. Allele origin: germline.
Comment: Variant summary: HADHA c.1690-2A>G is located in a canonical splice-site and is predicted to affect mRNA splicing resulting in a significantly altered protein due to either exon skipping, shortening, or inclusion of intronic material. Several computational tools predict a significant impact on normal splicing: Four predict the variant abolishes the canonical 3' splice acceptor site. However, these predictions have yet to be confirmed by functional studies. The variant was absent in 251448 control chromosomes. c.1690-2A>G has been reported in the literature in individuals affected with Long Chain 3-Hydroxyacyl-CoA Dehydrogenase Deficiency (example, Joost_2012). To our knowledge, no experimental evidence demonstrating an impact on protein function has been reported. Two clinical diagnostic laboratories have submitted clinical-significance assessments for this variant to ClinVar after 2014 without evidence for independent evaluation. All laboratories classified the variant as pathogenic/likely pathogenic. Based on the evidence outlined above, the variant was classified as likely pathogenic.

GeneDx
Classification: Pathogenic. Last evaluated: 2017-01-25. Review status: criteria provided, single submitter. Criteria: GeneDx Variant Classification (06012015). Collection method: clinical testing. Allele origin: germline. Affected: yes.
Comment: The c.1690-2 A>G splice site variant in the HADHA gene has been previously reported in association with long chain 3-hydroxyacyl-CoA dehydrogenase (LCHAD) deficiency (Joost et al., 2012). The c.1690-2 A>G variant destroys the canonical splice acceptor site in intron 16. It is predicted to cause abnormal gene splicing, either leading to an abnormal message that is subject to nonsense-mediated mRNA decay, or to an abnormal protein product if the message is used for protein translation. In summary, we interpret c.1690-2 A>G to be pathogenic.

Counsyl
Classification: Likely pathogenic for Long chain 3-hydroxyacyl-CoA dehydrogenase deficiency. Last evaluated: 2016-02-19. Review status: no assertion criteria provided. Collection method: clinical testing. Allele origin: unknown. Not counted in ClinVar's aggregate classification.

Literature cited by the submitters: PubMed 16199547 (cited by Labcorp Genetics (formerly Invitae), Labcorp); PubMed 7738175 (cited by Labcorp Genetics (formerly Invitae), Labcorp); PubMed 21103935 (cited by Labcorp Genetics (formerly Invitae), Labcorp); PubMed 21549624 (cited by Labcorp Genetics (formerly Invitae), Labcorp); PubMed 22459206 (cited by Labcorp Genetics (formerly Invitae), Labcorp); PubMed 23430857 (cited by Women's Health and Genetics/Laboratory Corporation of America, LabCorp and Counsyl).